The following is an entry in ClinVar:

NM_001267550.2(TTN):c.73888A>T (p.Arg24630Ter)

Genes: TTN-AS1 (TTN antisense RNA 1; plus strand), TTN (titin; minus strand). Cytogenetic location: 2q31.2.
Variant type: single nucleotide variant.
Coding change: c.73888A>T on transcript NM_001267550.2 (MANE Select); coding-DNA position 73888, A replaced by T.
Protein change: p.Arg24630Ter; replaces arginine 24630 with a stop codon.
Molecular consequence: nonsense.
Genome position (GRCh38, 1-based): chr2:178,572,244, T>A on the plus strand (A>T on the coding strand, the complement: TTN is on the minus strand). VCF-style: chr2-178572244-T-A. GRCh37 (hg19) VCF-style: chr2-179436971-T-A.
Other names: c.68965A>T, p.Arg22989Ter (NM_001256850.1); c.46693A>T, p.Arg15565Ter (NM_003319.4); c.66184A>T, p.Arg22062Ter (NM_133378.4); c.47068A>T, p.Arg15690Ter (NM_133432.3); c.47269A>T, p.Arg15757Ter (NM_133437.4); short protein forms R22062*, R24630*, R15565*, R15690*, R15757*, R22989*.
Identifiers: ClinVar variation 4787106 (VCV004787106.1).

ClinVar aggregate classification (germline): Likely pathogenic (1 of 4 stars; one submission).

Conditions:
Autosomal recessive limb-girdle muscular dystrophy type 2J (LGMDR10). Also called: Limb-girdle muscular dystrophy, type 2J; MUSCULAR DYSTROPHY, LIMB-GIRDLE, AUTOSOMAL RECESSIVE 10. Identifiers: Orphanet 140922, MedGen C1837342, MONDO:0012127, OMIM 608807.
Dilated cardiomyopathy 1G (CMD1G). Identifiers: Orphanet 154, MedGen C1858763, MONDO:0011400, OMIM 604145.

Submission:

Labcorp Genetics (formerly Invitae), Labcorp
Classification: Likely pathogenic for Dilated cardiomyopathy 1G; Autosomal recessive limb-girdle muscular dystrophy type 2J. Last evaluated: 2025-12-22. Review status: criteria provided, single submitter. Criteria: Invitae Variant Classification Sherloc (09022015). Collection method: clinical testing. Allele origin: germline.
Comment: This sequence change creates a premature translational stop signal (p.Arg24630*) in the TTN gene. While this is not anticipated to result in nonsense mediated decay, it is expected to create a truncated TTN protein. This variant is not present in population databases (gnomAD no frequency). This variant has not been reported in the literature in individuals affected with TTN-related conditions. This variant is located in the A band of TTN (PMID: 25589632). Truncating variants in this region are significantly overrepresented in patients affected with dilated cardiomyopathy (PMID: 25589632). Truncating variants in this region have also been reported in individuals affected with autosomal recessive centronuclear myopathy (PMID: 23975875). In summary, the currently available evidence indicates that the variant is pathogenic, but additional data are needed to prove that conclusively. Therefore, this variant has been classified as Likely Pathogenic.

Literature cited by the submitters: PubMed 25589632; PubMed 23975875.